The following is an entry in ClinVar:

NM_033380.3(COL4A5):c.4581C>G (p.Cys1527Trp)

Gene: COL4A5 (collagen type IV alpha 5 chain; plus strand). Cytogenetic location: Xq22.3.
Variant type: single nucleotide variant.
Coding change: c.4581C>G on transcript NM_033380.3 (MANE Select); coding-DNA position 4581, C replaced by G.
Protein change: p.Cys1527Trp; replaces cysteine 1527 with tryptophan.
Molecular consequence: missense variant.
Genome position (GRCh38, 1-based): chrX:108,692,800, C>G. VCF-style: chrX-108692800-C-G. GRCh37 (hg19) VCF-style: chrX-107936030-C-G.
Other names: c.4563C>G, p.Cys1521Trp (NM_000495.5); short protein forms C1521W, C1527W.
Identifiers: ClinVar variation 3068581 (VCV003068581.1), dbSNP rs104886292, ClinGen allele CA413855427.

ClinVar aggregate classification (germline): Likely pathogenic (1 of 4 stars; one submission).

Conditions:
X-linked Alport syndrome (ATS1). Also called: COL4A5-Related Nephropathy; NEPHROPATHY AND DEAFNESS, X-LINKED. Identifiers: Orphanet 63, Orphanet 88917, MedGen C4746986, MONDO:0010520, OMIM 301050.

Submission:

Molecular Genetics, Royal Melbourne Hospital
Classification: Likely pathogenic for X-linked Alport syndrome. Last evaluated: 2023-11-05. Review status: criteria provided, single submitter. Criteria: ACMG Guidelines, 2015. Collection method: clinical testing. Allele origin: germline. Affected: yes.
Comment: This sequence change in COL4A5 is predicted to replace cysteine with tryptophan at codon 1527, p.(Cys1527Trp). The cysteine residue is highly conserved (100 vertebrates, UCSC), and is a critical residue involved in a disulphide bond in the NC1 domain (PMID: 9535854). There is a large physicochemical difference between cysteine and tryptophan. This variant is absent from the population database gnomAD v2.1 and v3.1. To our knowledge, this variant has not been reported in any individuals with COL4A5-related disease in the relevant scientific literature. The variant alters COL4 trimer formation in an in vitro assay in HEK293 cells (PMID: 35243249). Computational evidence predicts a deleterious effect for the missense substitution (REVEL = 0.904). Another missense variant c.4561T>A, p.Cys1527Ser in the same codon (with a similar physicochemical difference) has been classified as likely pathogenic (PMID: 35789182). Based on the classification scheme RMH Modified ACMG Guidelines v1.6.1, this variant is classified as LIKELY PATHOGENIC. Following criteria are met: PM1, PM5, PM2_Supporting, PS3_Supporting, PP3.

Literature cited by the submitters: PubMed 9535854; PubMed 35243249; PubMed 35789182.